The following is an entry in ClinVar:

NM_001369.3(DNAH5):c.10769_10770insGTCTG (p.Asn3590fs)

Gene: DNAH5 (dynein axonemal heavy chain 5; minus strand). Cytogenetic location: 5p15.2.
Variant type: Insertion.
Coding change: c.10769_10770insGTCTG on transcript NM_001369.3 (MANE Select); coding-DNA positions 10769 to 10770, GTCTG inserted.
Protein change: p.Asn3590fs; shifts the reading frame from asparagine 3590.
Molecular consequence: frameshift variant.
Genome position: GRCh38 VCF-style: chr5-13753335-A-ACAGAC. GRCh37 (hg19) VCF-style: chr5-13753444-A-ACAGAC.
Other names: short protein forms N3590fs.
Identifiers: ClinVar variation 5010742 (VCV005010742.1).

ClinVar aggregate classification (germline): Pathogenic (1 of 4 stars; one submission).

Conditions:
Primary ciliary dyskinesia 3. Identifiers: Orphanet 244, MedGen C1837618, MONDO:0012085, OMIM 608644.

Submission:

Myriad Genetics, Inc.
Classification: Pathogenic for Primary ciliary dyskinesia 3. Last evaluated: 2024-05-14. Review status: criteria provided, single submitter. Criteria: Myriad Autosomal Dominant, Autosomal Recessive and X-Linked Classification Criteria (2023). Collection method: clinical testing. Allele origin: unknown.
Comment: NM_001369.2(DNAH5):c.10769_10770ins5(N3590Kfs*16) is expected to be pathogenic in the context of primary ciliary dyskinesia, DNAH5-related. This variant is predicted to lead to an abnormal or absent protein product due to the creation of a premature termination codon in DNAH5, a gene where loss-of-function variants are known to be pathogenic. Please note: this variant was assessed in the context of healthy population screening.